The following is an entry in ClinVar:

NM_144643.4(SCLT1):c.1048-16T>A

Gene: SCLT1 (sodium channel and clathrin linker 1; minus strand). Cytogenetic location: 4q28.2.
Variant type: single nucleotide variant.
Coding change: c.1048-16T>A on transcript NM_144643.4 (MANE Select); 16 bases into the intron before coding-DNA position 1048, T replaced by A.
Molecular consequence: intron variant.
Genome position (GRCh38, 1-based): chr4:128,957,140, A>T on the plus strand (T>A on the coding strand, the complement: SCLT1 is on the minus strand). VCF-style: chr4-128957140-A-T. GRCh37 (hg19) VCF-style: chr4-129878295-A-T.
Identifiers: ClinVar variation 1993168 (VCV001993168.4), dbSNP rs767539953, ClinGen allele CA2580071536.
Genomic context (GRCh38, chr4:128,957,140, plus strand): 5'-CATTTTCTCTATGTCTTCTTCTTTTTGCTTCTCCTCAAGTAGAGCCTTCAGAAAATAATC[A>T]TTTCATGTTATAGATAACATTATTATTAGTAAAGATAATAACAGGTGAAAACCTATCCAC-3'

ClinVar aggregate classification (germline): Uncertain significance (1 of 4 stars; one submission).

Submission:

Labcorp Genetics (formerly Invitae), Labcorp
Classification: Uncertain significance. Last evaluated: 2022-05-11. Review status: criteria provided, single submitter. Criteria: Invitae Variant Classification Sherloc (09022015). Collection method: clinical testing. Allele origin: germline.
Comment: This sequence change falls in intron 12 of the SCLT1 gene. It does not directly change the encoded amino acid sequence of the SCLT1 protein. This variant is not present in population databases (gnomAD no frequency). This variant has not been reported in the literature in individuals affected with SCLT1-related conditions. Algorithms developed to predict the effect of sequence changes on RNA splicing suggest that this variant may disrupt the consensus splice site. In summary, the available evidence is currently insufficient to determine the role of this variant in disease. Therefore, it has been classified as a Variant of Uncertain Significance.